The following is an entry in ClinVar:

ClinVar aggregate classification (germline): Uncertain significance (1 of 4 stars; one submission).

Conditions:
Myopathy, centronuclear, 2 (CNM2). Also called: MYOTUBULAR MYOPATHY, AUTOSOMAL RECESSIVE. Identifiers: Orphanet 169186, MedGen CN031787, MONDO:0009709, OMIM 255200.

Allele frequency attached by ClinVar (database versions not stated): gnomAD 0.00001; TOPMed 0.00001; gnomAD exomes 0.00001 and 0.00002.
gnomAD v4.1: 28 of 1,613,700 alleles (0.0017%); highest among the groups gnomAD compares: Non-Finnish European, 0.0024%; no homozygotes.

Submission:

Labcorp Genetics (formerly Invitae), Labcorp
Classification: Uncertain significance for Myopathy, centronuclear, 2. Last evaluated: 2024-09-18. Review status: criteria provided, single submitter. Criteria: Invitae Variant Classification Sherloc (09022015). Collection method: clinical testing. Allele origin: germline.
Comment: This sequence change replaces methionine, which is neutral and non-polar, with threonine, which is neutral and polar, at codon 256 of the BIN1 protein (p.Met256Thr). This variant is present in population databases (no rsID available, gnomAD 0.002%). This variant has not been reported in the literature in individuals affected with BIN1-related conditions. ClinVar contains an entry for this variant (Variation ID: 530861). Invitae Evidence Modeling of protein sequence and biophysical properties (such as structural, functional, and spatial information, amino acid conservation, physicochemical variation, residue mobility, and thermodynamic stability) indicates that this missense variant is not expected to disrupt BIN1 protein function with a negative predictive value of 80%. In summary, the available evidence is currently insufficient to determine the role of this variant in disease. Therefore, it has been classified as a Variant of Uncertain Significance.

NM_139343.3(BIN1):c.767T>C (p.Met256Thr)

Gene: BIN1 (bridging integrator 1; minus strand). Cytogenetic location: 2q14.3.
Variant type: single nucleotide variant.
Coding change: c.767T>C on transcript NM_139343.3 (MANE Select); coding-DNA position 767, T replaced by C.
Protein change: p.Met256Thr; replaces methionine 256 with threonine.
Molecular consequence: missense variant.
Genome position (GRCh38, 1-based): chr2:127,063,578, A>G on the plus strand (T>C on the coding strand, the complement: BIN1 is on the minus strand). VCF-style: chr2-127063578-A-G. GRCh37 (hg19) VCF-style: chr2-127821154-A-G.
Other names: c.674T>C, p.Met225Thr (NM_001320632.2, NM_001320641.2, NM_004305.4 and 6 more transcripts); c.767T>C, p.Met256Thr (NM_001320633.2, NM_001320640.2, NM_139344.3 and 1 more transcripts); c.602T>C, p.Met201Thr (NM_001320634.1); c.686T>C, p.Met229Thr (NM_001320642.1); short protein forms M256T, M201T, M225T, M229T.
Identifiers: ClinVar variation 530861 (VCV000530861.8), dbSNP rs975404965, ClinGen allele CA55349049.